The following is an entry in ClinVar:

NM_001242882.2(NAXD):c.69A>G (p.Leu23=)

Gene: NAXD (NAD(P)HX dehydratase; plus strand). Cytogenetic location: 13q34.
Variant type: single nucleotide variant.
Coding change: c.69A>G on transcript NM_001242882.2 (MANE Select); coding-DNA position 69, A replaced by G.
Protein change: p.Leu23=; no amino-acid change (leucine 23 retained).
Molecular consequence: synonymous variant. On other transcripts: non-coding transcript variant (2), intron variant (1).
Genome position (GRCh38, 1-based): chr13:110,622,238, A>G. VCF-style: chr13-110622238-A-G. GRCh37 (hg19) VCF-style: chr13-111274585-A-G.
Other names: c.123A>G, p.Leu41= (NM_001242881.2, NM_018210.4); c.57-5201A>G (NM_001242883.2).
Identifiers: ClinVar variation 3029580 (VCV003029580.2), dbSNP rs759721262, ClinGen allele CA7051034.

ClinVar aggregate classification (germline): Likely benign (0 of 4 stars; one submission).

Conditions:
NAXD-related disorder. Also called: NAXD-related condition.

Allele frequency attached by ClinVar (database versions not stated): gnomAD 0.00001; gnomAD exomes 0.00001; TOPMed 0.00001; ExAC 0.00002.
gnomAD v4.1: 21 of 1,613,676 alleles (0.0013%); highest among the groups gnomAD compares: South Asian, 0.018%; no homozygotes.

Submission:

PreventionGenetics, part of Exact Sciences
Classification: Likely benign for NAXD-related condition. Last evaluated: 2022-12-28. Review status: no assertion criteria provided. Collection method: clinical testing. Allele origin: germline.
Comment: This variant is classified as likely benign based on ACMG/AMP sequence variant interpretation guidelines (Richards et al. 2015 PMID: 25741868, with internal and published modifications).